The following is an entry in ClinVar:

ClinVar aggregate classification (germline): Likely pathogenic (1 of 4 stars; one submission).

Conditions:
Hypohidrotic X-linked ectodermal dysplasia (XHED). Also called: Ectodermal Dysplasia 1, Anhidrotic; ECTODERMAL DYSPLASIA, HYPOHIDROTIC, 1; CST SYNDROME; ECTODERMAL DYSPLASIA 1; Christ-Siemans-Touraine syndrome; Anhidrotic ectodermal dysplasia X-linked. Identifiers: Orphanet 181, Orphanet 238468, MedGen C0162359, MONDO:0010585, OMIM 305100.

Submission:

Labcorp Genetics (formerly Invitae), Labcorp
Classification: Likely pathogenic for Hypohidrotic X-linked ectodermal dysplasia. Last evaluated: 2023-03-10. Review status: criteria provided, single submitter. Criteria: Invitae Variant Classification Sherloc (09022015). Collection method: clinical testing. Allele origin: germline.
Comment: In summary, the currently available evidence indicates that the variant is pathogenic, but additional data are needed to prove that conclusively. Therefore, this variant has been classified as Likely Pathogenic. This variant disrupts the Arg159 amino acid residue in EDA. Other variant(s) that disrupt this residue have been observed in individuals with EDA-related conditions (PMID: 34863015; Invitae), which suggests that this may be a clinically significant amino acid residue. Advanced modeling of protein sequence and biophysical properties (such as structural, functional, and spatial information, amino acid conservation, physicochemical variation, residue mobility, and thermodynamic stability) performed at Invitae indicates that this missense variant is expected to disrupt EDA protein function. ClinVar contains an entry for this variant (Variation ID: 458656). This missense change has been observed in individual(s) with clinical features of ectodermal dysplasia (Invitae). This variant is not present in population databases (gnomAD no frequency). This sequence change replaces arginine, which is basic and polar, with threonine, which is neutral and polar, at codon 159 of the EDA protein (p.Arg159Thr).

Literature cited by the submitters: PubMed 34863015.

NM_001399.5(EDA):c.476G>C (p.Arg159Thr)

Gene: EDA (ectodysplasin A; plus strand). Cytogenetic location: Xq13.1.
Variant type: single nucleotide variant.
Coding change: c.476G>C on transcript NM_001399.5 (MANE Select); coding-DNA position 476, G replaced by C.
Protein change: p.Arg159Thr; replaces arginine 159 with threonine.
Molecular consequence: missense variant.
Genome position (GRCh38, 1-based): chrX:69,957,106, G>C. VCF-style: chrX-69957106-G-C. GRCh37 (hg19) VCF-style: chrX-69176956-G-C.
Other names: c.476G>C, p.Arg159Thr (NM_001005609.2, NM_001005612.3); short protein forms R159T.
Identifiers: ClinVar variation 458656 (VCV000458656.8), dbSNP rs1556039084, ClinGen allele CA413447985.